The following is an entry in ClinVar:

ClinVar aggregate classification (germline): Uncertain significance. Review status: criteria provided, single submitter (1 of 4 stars). 2 submissions from 2 submitters: Uncertain significance (1). 1 of the submissions does not count toward it. Last evaluated 2025-08-20.

Allele frequency attached by ClinVar (database versions not stated): gnomAD exomes 0.00003 and 0.00005; ExAC 0.00004; TOPMed 0.00004; gnomAD 0.00005.
gnomAD v4.1: 76 of 1,614,026 alleles (0.0047%); highest among the groups gnomAD compares: Non-Finnish European, 0.0062%; no homozygotes.

Submissions (2):

Labcorp Genetics (formerly Invitae), Labcorp
Classification: Uncertain significance. Last evaluated: 2025-08-20. Review status: criteria provided, single submitter. Criteria: Invitae Variant Classification Sherloc (09022015). Collection method: clinical testing. Allele origin: germline.
Comment: This sequence change replaces proline, which is neutral and non-polar, with serine, which is neutral and polar, at codon 300 of the NFE2L2 protein (p.Pro300Ser). This variant is present in population databases (rs587778556, gnomAD 0.007%). This variant has not been reported in the literature in individuals affected with NFE2L2-related conditions. ClinVar contains an entry for this variant (Variation ID: 134903). Invitae Evidence Modeling of protein sequence and biophysical properties (such as structural, functional, and spatial information, amino acid conservation, physicochemical variation, residue mobility, and thermodynamic stability) indicates that this missense variant is not expected to disrupt NFE2L2 protein function with a negative predictive value of 80%. In summary, the available evidence is currently insufficient to determine the role of this variant in disease. Therefore, it has been classified as a Variant of Uncertain Significance.

ITMI
No classification provided. Condition: AllHighlyPenetrant. Last evaluated: 2013-09-19. Review status: no classification provided. Collection method: reference population. Allele origin: germline. Not counted in ClinVar's aggregate classification.
Comment: Please see associated publication for description of ethnicities

Literature cited by the submitters: PubMed 24728327 (cited by ITMI).

NM_006164.5(NFE2L2):c.898C>T (p.Pro300Ser)

Gene: NFE2L2 (NFE2 like bZIP transcription factor 2; minus strand). Cytogenetic location: 2q31.2.
Variant type: single nucleotide variant.
Coding change: c.898C>T on transcript NM_006164.5 (MANE Select); coding-DNA position 898, C replaced by T.
Protein change: p.Pro300Ser; replaces proline 300 with serine.
Molecular consequence: missense variant.
Genome position (GRCh38, 1-based): chr2:177,231,705, G>A on the plus strand (C>T on the coding strand, the complement: NFE2L2 is on the minus strand). VCF-style: chr2-177231705-G-A. GRCh37 (hg19) VCF-style: chr2-178096433-G-A.
Other names: c.850C>T, p.Pro284Ser (NM_001145412.3, NM_001313900.1, NM_001313901.1); c.829C>T, p.Pro277Ser (NM_001145413.3); c.808C>T, p.Pro270Ser (NM_001313902.2); c.679C>T, p.Pro227Ser (NM_001313903.2); c.598C>T, p.Pro200Ser (NM_001313904.1); short protein forms P284S, P277S, P300S, P200S, P227S, P270S.
Identifiers: ClinVar variation 134903 (VCV000134903.10), dbSNP rs587778556, ClinGen allele CA161125.